The following is an entry in ClinVar:

NM_000059.4(BRCA2):c.4704G>T (p.Lys1568Asn)

Gene: BRCA2 (BRCA2 DNA repair associated; plus strand). Cytogenetic location: 13q13.1.
Variant type: single nucleotide variant.
Coding change: c.4704G>T on transcript NM_000059.4 (MANE Select); coding-DNA position 4704, G replaced by T.
Protein change: p.Lys1568Asn; replaces lysine 1568 with asparagine.
Molecular consequence: missense variant.
Genome position (GRCh38, 1-based): chr13:32,339,059, G>T. VCF-style: chr13-32339059-G-T. GRCh37 (hg19) VCF-style: chr13-32913196-G-T.
Other names: short protein forms K1568N.
Identifiers: ClinVar variation 216246 (VCV000216246.11), dbSNP rs863224589, ClinGen allele CA336882.
Genomic context (GRCh38, chr13:32,339,059, plus strand): 5'-AAAAGAGCAAGGTACTAGTGAAATCACCAGTTTTAGCCATCAATGGGCAAAGACCCTAAA[G>T]TACAGAGAGGCCTGTAAAGACCTTGAATTAGCATGTGAGACCATTGAGATCACAGCTGCC-3'
Protein context (NP_000050.3, residues 1558-1578): SFSHQWAKTL[Lys1568Asn]YREACKDLEL

ClinVar aggregate classification (germline): Conflicting classifications of pathogenicity. Review status: criteria provided, conflicting classifications (1 of 4 stars). 3 submissions from 3 submitters: Uncertain significance (2); Likely benign (1). Last evaluated 2023-03-23.

Conditions:
Hereditary cancer-predisposing syndrome. Also called: Hereditary Cancer Syndrome; Hereditary neoplastic syndrome; Neoplastic Syndromes, Hereditary; Tumor predisposition. Identifiers: Orphanet 140162, MedGen C0027672, MeSH D009386, MONDO:0015356.
Hereditary breast ovarian cancer syndrome. Also called: Hereditary breast and/or ovarian cancer syndrome; Breast and ovarian cancer; BRCA1- and BRCA2-Associated Hereditary Breast and Ovarian Cancer; Hereditary breast and ovarian cancer syndrome; Hereditary breast and ovarian cancer syndrome (HBOC); Hereditary breast and ovarian cancer. Identifiers: Orphanet 145, MedGen C0677776, MeSH D061325, MONDO:0003582. Disease mechanism: loss of function.

Submissions (3):

University of Washington Department of Laboratory Medicine, University of Washington
Classification: Likely benign for Hereditary cancer-predisposing syndrome. Last evaluated: 2023-03-23. Review status: criteria provided, single submitter. Criteria: Dines et al. (Genet Med. 2020). Collection method: curation. Allele origin: germline.
Comment: Missense variant in a coldspot region where missense variants are very unlikely to be pathogenic (PMID:31911673).

BRCA2 exon 11 coldspot. Reclassification based on statistical prior probability.

Ambry Genetics
Classification: Uncertain significance for Hereditary cancer-predisposing syndrome. Last evaluated: 2020-07-10. Review status: criteria provided, single submitter. Criteria: Ambry Variant Classification Scheme 2023. Collection method: clinical testing. Allele origin: germline.
Comment: The p.K1568N variant (also known as c.4704G>T), located in coding exon 10 of the BRCA2 gene, results from a G to T substitution at nucleotide position 4704. The lysine at codon 1568 is replaced by asparagine, an amino acid with similar properties. This amino acid position is poorly conserved in available vertebrate species. In addition, this alteration is predicted to be tolerated by in silico analysis. Since supporting evidence is limited at this time, the clinical significance of this alteration remains unclear.

Labcorp Genetics (formerly Invitae), Labcorp
Classification: Uncertain significance for Hereditary breast ovarian cancer syndrome. Last evaluated: 2015-05-27. Review status: criteria provided, single submitter. Criteria: Invitae Variant Classification Sherloc (09022015). Collection method: clinical testing. Allele origin: germline.
Comment: In summary, this is a novel missense change that is not predicted to affect protein function or cause disease. However the evidence is insufficient at this time to prove that conclusively. It has been classified as a Variant of Uncertain Significance. Algorithms developed to predict the effect of missense changes on protein structure and function (SIFT, PolyPhen-2, Align-GVGD) all suggest that this variant is likely to be tolerated, but these predictions have not been confirmed by published functional studies. This variant has not been published in the literature and is not present in population databases. This sequence change replaces lysine with asparagine at codon 1568 of the BRCA2 protein (p.Lys1568Asn). The lysine residue is weakly conserved and there is a moderate physicochemical difference between lysine and asparagine.